The following is an entry in ClinVar:

ClinVar aggregate classification (germline): Uncertain significance (1 of 4 stars; one submission).

Submission:

Labcorp Genetics (formerly Invitae), Labcorp
Classification: Uncertain significance. Last evaluated: 2022-09-09. Review status: criteria provided, single submitter. Criteria: Invitae Variant Classification Sherloc (09022015). Collection method: clinical testing. Allele origin: germline.
Comment: This variant has not been reported in the literature in individuals affected with PLEKHM2-related conditions. In summary, the available evidence is currently insufficient to determine the role of this variant in disease. Therefore, it has been classified as a Variant of Uncertain Significance. Experimental studies and prediction algorithms are not available or were not evaluated, and the functional significance of this variant is currently unknown. ClinVar contains an entry for this variant (Variation ID: 950619). This variant is not present in population databases (gnomAD no frequency). This variant, c.1061_1063dup, results in the insertion of 1 amino acid(s) of the PLEKHM2 protein (p.Arg354_Asn355insSer), but otherwise preserves the integrity of the reading frame.

NM_015164.4(PLEKHM2):c.1061_1063dup (p.Arg354_Asn355insSer)

Gene: PLEKHM2 (pleckstrin homology and RUN domain containing M2; plus strand). Cytogenetic location: 1p36.21.
Variant type: Duplication.
Coding change: c.1061_1063dup on transcript NM_015164.4 (MANE Select); coding-DNA positions 1061 to 1063, 3 bases duplicated (GCA; older notation c.1061_1063dupGCA).
Protein change: p.Arg354_Asn355insSer.
Molecular consequence: inframe insertion.
Genome position (GRCh38, 1-based): chr1:15,727,133-15,727,135, GCA duplicated. VCF-style (leftmost placement, unchanged base first): chr1-15727132-C-CGCA. GRCh37 (hg19) VCF-style: chr1-16053627-C-CGCA.
Identifiers: ClinVar variation 950619 (VCV000950619.9), dbSNP rs2068073520, ClinGen allele CA1139655986.
Genomic context (GRCh38, chr1:15,727,132, plus strand): 5'-AGTCCACTCCACCCCGCCTGCAGCCAGAAGAAATGTGCCAAGCAGGGGGACGGTGACAGC[C>CGCA]GCAACGGCAGCCCAAGCCTTGGGCGGGACTCGCCAGACACTATGCTTGCCTCCCCCCAGG-3'